The following is an entry in ClinVar:

ClinVar aggregate classification (germline): Benign (1 of 4 stars; one submission).

Conditions:
Landau-Kleffner syndrome (FESD). Also called: EPILEPSY, FOCAL, WITH SPEECH DISORDER AND WITH OR WITHOUT MENTAL RETARDATION; APHASIA, ACQUIRED, WITH EPILEPSY. Identifiers: Orphanet 1945, Orphanet 725, Orphanet 98818, MedGen C0282512, MONDO:0009509, OMIM 245570.

Allele frequency attached by ClinVar (database versions not stated): 1000 Genomes Project 30x 0.01218; gnomAD 0.01284 and 0.01184; 1000 Genomes Project 0.01118; TOPMed 0.01379; gnomAD exomes 0.00199.
gnomAD v4.1: 1,884 of 198,354 alleles (0.95%); highest among the groups gnomAD compares: African/African-American, 4%; 23 homozygotes.

Submission:

Illumina Laboratory Services, Illumina
Classification: Benign for Landau-Kleffner syndrome. Last evaluated: 2018-01-13. Review status: criteria provided, single submitter. Criteria: ICSL Variant Classification Criteria 13 December 2019. Collection method: clinical testing. Allele origin: germline.
Comment: This variant was observed in the ICSL laboratory as part of a predisposition screen in an ostensibly healthy population. It had not been previously curated by ICSL or reported in the Human Gene Mutation Database (HGMD: prior to June 1st, 2018), and was therefore a candidate for classification through an automated scoring system. Utilizing variant allele frequency, disease prevalence and penetrance estimates, and inheritance mode, an automated score was calculated to assess if this variant is too frequent to cause the disease. Based on the score and internal cut-off values, a variant classified as benign is not then subjected to further curation. The score for this variant resulted in a classification of benign for this disease.

NM_001134407.3(GRIN2A):c.*9692A>G

Gene: GRIN2A (glutamate ionotropic receptor NMDA type subunit 2A; minus strand). Cytogenetic location: 16p13.2.
Variant type: single nucleotide variant.
Coding change: c.*9692A>G on transcript NM_001134407.3 (MANE Select); 9692 bases downstream of the stop codon, A replaced by G.
Molecular consequence: 3 prime UTR variant.
Genome position (GRCh38, 1-based): chr16:9,753,457, T>C on the plus strand (A>G on the coding strand, the complement: GRIN2A is on the minus strand). VCF-style: chr16-9753457-T-C. GRCh37 (hg19) VCF-style: chr16-9847314-T-C.
Other names: c.*9692A>G (NM_000833.5); c.*9898A>G (NM_001134408.2).
Identifiers: ClinVar variation 321458 (VCV000321458.5), dbSNP rs58340432, ClinGen allele CA10649373.